The following is an entry in ClinVar:

NM_024675.4(PALB2):c.3086CTA[1] (p.Thr1030del)

Gene: PALB2 (partner and localizer of BRCA2; minus strand). Cytogenetic location: 16p12.2.
Variant type: Microsatellite.
Coding change: c.3086CTA[1] on transcript NM_024675.4 (MANE Select); one copy of the 3-base unit CTA starting at c.3086; the reference has two copies in a row; one copy, 3 bases deleted.
Protein change: p.Thr1030del; deletes threonine 1030.
Molecular consequence: inframe deletion. On other transcripts: inframe indel (1), intron variant (1).
Genome position (GRCh38, 1-based): chr16:23,621,384-23,621,386, TAG deleted on the plus strand (CTA on the coding strand, the reverse complement: PALB2 is on the minus strand); deleting any 3 consecutive bases within chr16:23,621,384-23,621,391 gives the same sequence; the position shown is the placement nearest the transcript's 3' end. VCF-style (leftmost placement, unchanged base first): chr16-23621383-ATAG-A. GRCh37 (hg19) VCF-style: chr16-23632704-ATAG-A.
Other names: c.3026CTA[1], p.Thr1010del (NM_001407296.1); c.3014CTA[1], p.Thr1006del (NM_001407297.1); c.2924CTA[1], p.Thr976del (NM_001407298.1, NM_001407302.1); c.3086CTA[1], p.Thr1030del (NM_001407299.1, NM_001407301.1); c.2201CTA[1], p.Thr735del (NM_001407304.1, NM_001407305.1, NM_001407306.1 and 4 more transcripts); c.2039CTA[1], p.Thr681del (NM_001407307.1); c.1298CTA[1], p.Thr434del (NM_001407312.1, NM_001407313.1); c.620CTA[1], p.Thr208del (NM_001407314.1); and 3 more; short protein forms T681del, T1006del, T1010del, T1030del, T735del, T976del, T208del, T434del.
Identifiers: ClinVar variation 2799895 (VCV002799895.4), dbSNP rs2506317610, ClinGen allele CA2739266663.

ClinVar aggregate classification (germline): Uncertain significance. Review status: criteria provided, multiple submitters, no conflicts (2 of 4 stars). 2 submissions from 2 submitters: Uncertain significance (2). Last evaluated 2024-09-04.

Conditions:
Familial cancer of breast. Also called: hereditary breast carcinoma; Hereditary breast cancer; BREAST CANCER, FAMILIAL. Identifiers: Orphanet 227535, MedGen C0346153, MONDO:0016419, OMIM 114480. Disease mechanism: loss of function.
Hereditary cancer-predisposing syndrome. Also called: Hereditary neoplastic syndrome; Neoplastic Syndromes, Hereditary; Hereditary Cancer Syndrome; Tumor predisposition. Identifiers: Orphanet 140162, MedGen C0027672, MeSH D009386, MONDO:0015356.

Submissions (2):

Ambry Genetics
Classification: Uncertain significance for Hereditary cancer-predisposing syndrome. Last evaluated: 2024-09-04. Review status: criteria provided, single submitter. Criteria: Ambry Variant Classification Scheme 2023. Collection method: clinical testing. Allele origin: germline.
Comment: The c.3089_3091delCTA variant (also known as p.T1030del) is located in coding exon 10 of the PALB2 gene. This variant results from an in-frame CTA deletion at nucleotide positions 3089 to 3091. This results in the in-frame deletion of a threonine at codon 1030. This amino acid position is highly conserved in available vertebrate species. In addition, this alteration is predicted to be deleterious by in silico analysis (Choi Y et al. PLoS ONE. 2012; 7(10):e46688). Based on the available evidence, the clinical significance of this variant remains unclear.

Labcorp Genetics (formerly Invitae), Labcorp
Classification: Uncertain significance for Familial cancer of breast. Last evaluated: 2024-01-09. Review status: criteria provided, single submitter. Criteria: Invitae Variant Classification Sherloc (09022015). Collection method: clinical testing. Allele origin: germline.
Comment: This variant, c.3089_3091del, results in the deletion of 1 amino acid(s) of the PALB2 protein (p.Thr1030del), but otherwise preserves the integrity of the reading frame. This variant is not present in population databases (gnomAD no frequency). This variant has not been reported in the literature in individuals affected with PALB2-related conditions. Experimental studies and prediction algorithms are not available or were not evaluated, and the functional significance of this variant is currently unknown. In summary, the available evidence is currently insufficient to determine the role of this variant in disease. Therefore, it has been classified as a Variant of Uncertain Significance.